The following is an entry in ClinVar:

NM_001288833.2(GGT1):c.124G>A (p.Ala42Thr)

Gene: GGT1 (gamma-glutamyltransferase 1; plus strand). Cytogenetic location: 22q11.23.
Variant type: single nucleotide variant.
Coding change: c.124G>A on transcript NM_001288833.2 (MANE Select); coding-DNA position 124, G replaced by A.
Protein change: p.Ala42Thr; replaces alanine 42 with threonine.
Molecular consequence: missense variant.
Genome position (GRCh38, 1-based): chr22:24,611,205, G>A. VCF-style: chr22-24611205-G-A. GRCh37 (hg19) VCF-style: chr22-25007172-G-A.
Other names: c.124G>A, p.Ala42Thr (NM_013421.3, NM_013430.3); short protein forms A42T.
Identifiers: ClinVar variation 4821175 (VCV004821175.4).
Genomic context (GRCh38, chr22:24,611,205, plus strand): 5'-CTCTGTCTCTGGCTGCCCTCAGCCTCCAAGGAACCTGACAACCATGTGTACACCAGGGCT[G>A]CCGTGGCCGCGGATGCCAAGCAGTGCTCGAAGATTGGGAGGTGAGCAGGGCAGGGCATGG-3'
Protein context (NP_001275762.1, residues 32-52): EPDNHVYTRA[Ala42Thr]VAADAKQCSK

ClinVar aggregate classification (germline): Likely benign (1 of 4 stars; one submission).

gnomAD v4.1: 5,870 of 1,567,192 alleles (0.37%); highest among the groups gnomAD compares: Non-Finnish European, 0.41%; 21 homozygotes.

Submission:

CeGaT Center for Human Genetics Tuebingen
Classification: Likely benign. Last evaluated: 2026-07-01. Review status: criteria provided, single submitter. Criteria: CeGaT Center For Human Genetics Tuebingen Variant Classification Criteria Version 2. Collection method: clinical testing. Allele origin: germline. Affected: yes. Observed: 2 variant alleles.
Comment: GGT1: PP2, BP4, BS2